The following is an entry in ClinVar:

NM_153026.3(PRICKLE1):c.1271A>G (p.Asp424Gly)

Gene: PRICKLE1 (prickle planar cell polarity protein 1; minus strand). Cytogenetic location: 12q12.
Variant type: single nucleotide variant.
Coding change: c.1271A>G on transcript NM_153026.3 (MANE Select); coding-DNA position 1271, A replaced by G.
Protein change: p.Asp424Gly; replaces aspartic acid 424 with glycine.
Molecular consequence: missense variant.
Genome position (GRCh38, 1-based): chr12:42,464,763, T>C on the plus strand (A>G on the coding strand, the complement: PRICKLE1 is on the minus strand). VCF-style: chr12-42464763-T-C. GRCh37 (hg19) VCF-style: chr12-42858565-T-C.
Other names: c.1271A>G, p.Asp424Gly (NM_001144881.2, NM_001144882.2, NM_001144883.2); short protein forms D424G.
Identifiers: ClinVar variation 1390474 (VCV001390474.6), dbSNP rs1938019653, ClinGen allele CA384442078.

ClinVar aggregate classification (germline): Uncertain significance (1 of 4 stars; one submission).

Conditions:
Epilepsy, progressive myoclonic, 1B. Also called: PME. Identifiers: Orphanet 308, MedGen C2676254, MONDO:0012904, OMIM 612437.

Allele frequency attached by ClinVar (database versions not stated): gnomAD exomes 0.00001; TOPMed 0.00001.
gnomAD v4.1: 8 of 1,614,148 alleles (0.0005%); highest among the groups gnomAD compares: Non-Finnish European, 0.00068%; no homozygotes.

Submission:

Labcorp Genetics (formerly Invitae), Labcorp
Classification: Uncertain significance for Epilepsy, progressive myoclonic, 1B. Last evaluated: 2023-11-27. Review status: criteria provided, single submitter. Criteria: Invitae Variant Classification Sherloc (09022015). Collection method: clinical testing. Allele origin: germline.
Comment: This sequence change replaces aspartic acid, which is acidic and polar, with glycine, which is neutral and non-polar, at codon 424 of the PRICKLE1 protein (p.Asp424Gly). This variant is not present in population databases (gnomAD no frequency). This variant has not been reported in the literature in individuals affected with PRICKLE1-related conditions. ClinVar contains an entry for this variant (Variation ID: 1390474). Advanced modeling of protein sequence and biophysical properties (such as structural, functional, and spatial information, amino acid conservation, physicochemical variation, residue mobility, and thermodynamic stability) performed at Invitae indicates that this missense variant is not expected to disrupt PRICKLE1 protein function with a negative predictive value of 80%. In summary, the available evidence is currently insufficient to determine the role of this variant in disease. Therefore, it has been classified as a Variant of Uncertain Significance.